The following is an entry in ClinVar:

NM_024675.4(PALB2):c.408T>G (p.Ser136Arg)

Gene: PALB2 (partner and localizer of BRCA2; minus strand). Cytogenetic location: 16p12.2.
Variant type: single nucleotide variant.
Coding change: c.408T>G on transcript NM_024675.4 (MANE Select); coding-DNA position 408, T replaced by G.
Protein change: p.Ser136Arg; replaces serine 136 with arginine.
Molecular consequence: missense variant.
Genome position (GRCh38, 1-based): chr16:23,636,138, A>C on the plus strand (T>G on the coding strand, the complement: PALB2 is on the minus strand). VCF-style: chr16-23636138-A-C. GRCh37 (hg19) VCF-style: chr16-23647459-A-C.
Other names: short protein forms S136R.
Identifiers: ClinVar variation 946635 (VCV000946635.10), dbSNP rs112202375, ClinGen allele CA395137377.

ClinVar aggregate classification (germline): Uncertain significance (1 of 4 stars; one submission).

Conditions:
Familial cancer of breast. Also called: Hereditary breast cancer; hereditary breast carcinoma; BREAST CANCER, FAMILIAL. Identifiers: Orphanet 227535, MedGen C0346153, MONDO:0016419, OMIM 114480. Disease mechanism: loss of function.

Submission:

Labcorp Genetics (formerly Invitae), Labcorp
Classification: Uncertain significance for Familial cancer of breast. Last evaluated: 2019-06-21. Review status: criteria provided, single submitter. Criteria: Invitae Variant Classification Sherloc (09022015). Collection method: clinical testing. Allele origin: germline.
Comment: This sequence change replaces serine with arginine at codon 136 of the PALB2 protein (p.Ser136Arg). The serine residue is weakly conserved and there is a moderate physicochemical difference between serine and arginine. This variant is not present in population databases (ExAC no frequency). This variant has not been reported in the literature in individuals with PALB2-related conditions. Algorithms developed to predict the effect of missense changes on protein structure and function (SIFT, PolyPhen-2, Align-GVGD) all suggest that this variant is likely to be tolerated, but these predictions have not been confirmed by published functional studies and their clinical significance is uncertain. In summary, the available evidence is currently insufficient to determine the role of this variant in disease. Therefore, it has been classified as a Variant of Uncertain Significance.